The following is an entry in ClinVar:

ClinVar aggregate classification (germline): Uncertain significance (1 of 4 stars; one submission).

Allele frequency attached by ClinVar (database versions not stated): gnomAD exomes below 0.00001; gnomAD 0.00001.
gnomAD v4.1: 2 of 1,612,570 alleles (0.00012%); highest among the groups gnomAD compares: African/African-American, 0.0013%; no homozygotes.

Submission:

Labcorp Genetics (formerly Invitae), Labcorp
Classification: Uncertain significance. Last evaluated: 2021-04-03. Review status: criteria provided, single submitter. Criteria: Invitae Variant Classification Sherloc (09022015). Collection method: clinical testing. Allele origin: germline.
Comment: In summary, the available evidence is currently insufficient to determine the role of this variant in disease. Therefore, it has been classified as a Variant of Uncertain Significance. Algorithms developed to predict the effect of missense changes on protein structure and function (SIFT, PolyPhen-2, Align-GVGD) all suggest that this variant is likely to be disruptive, but these predictions have not been confirmed by published functional studies and their clinical significance is uncertain. This variant has not been reported in the literature in individuals with ASRGL1-related conditions. This variant is not present in population databases (ExAC no frequency). This sequence change replaces glycine with arginine at codon 220 of the ASRGL1 protein (p.Gly220Arg). The glycine residue is highly conserved and there is a moderate physicochemical difference between glycine and arginine.

NM_001083926.2(ASRGL1):c.658G>C (p.Gly220Arg)

Gene: ASRGL1 (asparaginase and isoaspartyl peptidase 1; plus strand). Cytogenetic location: 11q12.3.
Variant type: single nucleotide variant.
Coding change: c.658G>C on transcript NM_001083926.2 (MANE Select); coding-DNA position 658, G replaced by C.
Protein change: p.Gly220Arg; replaces glycine 220 with arginine.
Molecular consequence: missense variant.
Genome position (GRCh38, 1-based): chr11:62,391,569, G>C. VCF-style: chr11-62391569-G-C. GRCh37 (hg19) VCF-style: chr11-62159041-G-C.
Other names: c.658G>C, p.Gly220Arg (NM_025080.4); short protein forms G220R.
Identifiers: ClinVar variation 1522578 (VCV001522578.8), dbSNP rs1024658648, ClinGen allele CA380871220.
Genomic context (GRCh38, chr11:62,391,569, plus strand): 5'-CCTTTTTGAGCAGGAGCTGGAGGTTATGCCGACAATGACATCGGAGCCGTCTCAACCACA[G>C]GGCATGGGGAAAGCATCCTGAAGGTGAACCTGGCTAGACTCACCCTGTTCCACATAGAAC-3'
Protein context (NP_001077395.1, residues 210-230): DNDIGAVSTT[Gly220Arg]HGESILKVNL